The following is an entry in ClinVar:

NM_147127.5(EVC2):c.1886+3A>G

Gene: EVC2 (EvC ciliary complex subunit 2; minus strand). Cytogenetic location: 4p16.2.
Variant type: single nucleotide variant.
Coding change: c.1886+3A>G on transcript NM_147127.5 (MANE Select); 3 bases into the intron after coding-DNA position 1886, A replaced by G.
Molecular consequence: intron variant.
Genome position (GRCh38, 1-based): chr4:5,628,556, T>C on the plus strand (A>G on the coding strand, the complement: EVC2 is on the minus strand). VCF-style: chr4-5628556-T-C. GRCh37 (hg19) VCF-style: chr4-5630283-T-C.
Other names: c.1646+3A>G (NM_001166136.2).
Identifiers: ClinVar variation 1355085 (VCV001355085.7), dbSNP rs2108846962, ClinGen allele CA2573138253.
Genomic context (GRCh38, chr4:5,628,556, plus strand): 5'-CTGTCATAGCAGCAGAAAACAGACTAAGACAGTTCGCACTGTTGGGACAGTGTTGAGTGG[T>C]ACCTCTCGTGCTTCTGAATGAGGTGAGTCAGCTGGGCTGCAGCGGTGCTCAGAAGGCCCT-3'

ClinVar aggregate classification (germline): Uncertain significance (1 of 4 stars; one submission).

Conditions:
Curry-Hall syndrome (WAD). Also called: WEYERS ACRODENTAL DYSOSTOSIS. Identifiers: Orphanet 952, MedGen C0457013, MONDO:0008673, OMIM 193530.
Ellis-van Creveld syndrome (EVC). Also called: MESOECTODERMAL DYSPLASIA; EVC-Related Ellis-van Creveld Syndrome; EVC2-Related Ellis-van Creveld Syndrome; Chondroectodermal dysplasia. Identifiers: Orphanet 289, MedGen C0013903, MONDO:0009162, OMIM 225500.

Allele frequency attached by ClinVar (database versions not stated): gnomAD exomes below 0.00001.
gnomAD v4.1: 1 of 1,614,150 alleles (0.000062%); highest among the groups gnomAD compares: Non-Finnish European, 0.000085%; no homozygotes.

Submission:

Labcorp Genetics (formerly Invitae), Labcorp
Classification: Uncertain significance for Curry-Hall syndrome; Ellis-van Creveld syndrome. Last evaluated: 2021-07-31. Review status: criteria provided, single submitter. Criteria: Invitae Variant Classification Sherloc (09022015). Collection method: clinical testing. Allele origin: germline.
Comment: Nucleotide substitutions within the consensus splice site are a relatively common cause of aberrant splicing (PMID: 17576681, 9536098). Algorithms developed to predict the effect of sequence changes on RNA splicing suggest that this variant may disrupt the consensus splice site. In summary, the available evidence is currently insufficient to determine the role of this variant in disease. Therefore, it has been classified as a Variant of Uncertain Significance. This variant has been observed in individual(s) with clinical features of Ellis-van Creveld syndrome (Invitae). This variant is not present in population databases (ExAC no frequency). This sequence change falls in intron 12 of the EVC2 gene. It does not directly change the encoded amino acid sequence of the EVC2 protein. It affects a nucleotide within the consensus splice site of the intron.

Literature cited by the submitters: PubMed 17576681; PubMed 9536098.